The following is an entry in ClinVar:

ClinVar aggregate classification (germline): Uncertain significance. Review status: criteria provided, multiple submitters, no conflicts (2 of 4 stars). 2 submissions from 2 submitters: Uncertain significance (2). Last evaluated 2026-02-09.

Conditions:
GNAS-related disorder. Identifiers: MedGen CN380105.

gnomAD v4.1: 1 of 1,613,616 alleles (0.000062%); highest among the groups gnomAD compares: South Asian, 0.0011%; no homozygotes.

Submissions (2):

Women's Health and Genetics/Laboratory Corporation of America, LabCorp
Classification: Uncertain significance. Last evaluated: 2026-02-09. Review status: criteria provided, single submitter. Criteria: LabCorp Variant Classification Summary - May 2015. Collection method: clinical testing. Allele origin: germline.
Comment: Variant summary: GNAS NM_080425.4 c.1865G>C (p.Arg622Pro) results in a non-conservative amino acid change in the encoded protein sequence. Algorithms developed to predict the effect of missense changes on protein structure and function are either unavailable or do not agree on the potential impact of this missense change. This variant is also annotated as GNAS NM_000516.7 c.-36597G>C and is located in the untranscribed region upstream of the GNAS gene region. The variant allele was found at a frequency of 6.2e-07 in 1606642 control chromosomes in the gnomAD database (v4.1 dataset). The available data on variant occurrences in the general population are insufficient to allow any conclusion about variant significance. To our knowledge, no occurrence of c.1865G>C in individuals affected with GNAS-related conditions and no experimental evidence demonstrating its impact on protein function have been reported. ClinVar contains an entry for this variant (Variation ID: 4525865). Based on the evidence outlined above, the variant was classified as uncertain significance.

PreventionGenetics, part of Exact Sciences
Classification: Uncertain significance for GNAS-related condition. Last evaluated: 2025-02-03. Review status: criteria provided, single submitter. Criteria: ACMG Guidelines, 2015. Collection method: clinical testing. Allele origin: germline.
Comment: The GNAS c.1865G>C variant is predicted to result in the amino acid substitution p.Arg622Pro. To our knowledge, this variant has not been reported in the literature or in a large population database (gnomAD), indicating this variant is rare. At this time, the clinical significance of this variant is uncertain due to the absence of conclusive functional and genetic evidence.

NM_080425.4(GNAS):c.1865G>C (p.Arg622Pro)

Gene: GNAS (GNAS complex locus; plus strand). Cytogenetic location: 20q13.32.
Variant type: single nucleotide variant.
Coding change: c.1865G>C on transcript NM_080425.4 (MANE Plus Clinical); coding-DNA position 1865, G replaced by C.
Protein change: p.Arg622Pro; replaces arginine 622 with proline.
Molecular consequence: missense variant. On other transcripts: intron variant (3), genic upstream transcript variant (1).
Genome position (GRCh38, 1-based): chr20:58,855,130, G>C. VCF-style: chr20-58855130-G-C. GRCh37 (hg19) VCF-style: chr20-57430185-G-C.
Other names: c.1678G>C, p.Asp560His (NM_001077490.3, NM_001309883.1); c.1865G>C, p.Arg622Pro (NM_001410913.1); c.*42+14244G>C (NM_016592.5); c.43+14244G>C (NM_001410912.1); c.-39+13255G>C (NM_001309861.2); c.-36597G>C (NM_000516.7); c.1865G>C (NM_080425.3); short protein forms D560H, R622P.
Identifiers: ClinVar variation 4525865 (VCV004525865.3).